The following is an entry in ClinVar:

NM_005559.4(LAMA1):c.7880G>A (p.Gly2627Glu)

Gene: LAMA1 (laminin subunit alpha 1; minus strand). Cytogenetic location: 18p11.31.
Variant type: single nucleotide variant.
Coding change: c.7880G>A on transcript NM_005559.4 (MANE Select); coding-DNA position 7880, G replaced by A.
Protein change: p.Gly2627Glu; replaces glycine 2627 with glutamic acid.
Molecular consequence: missense variant.
Genome position (GRCh38, 1-based): chr18:6,958,561, C>T on the plus strand (G>A on the coding strand, the complement: LAMA1 is on the minus strand). VCF-style: chr18-6958561-C-T. GRCh37 (hg19) VCF-style: chr18-6958560-C-T.
Other names: short protein forms G2627E.
Identifiers: ClinVar variation 1810478 (VCV001810478.1), dbSNP rs2057591521, ClinGen allele CA401843182.

ClinVar aggregate classification (germline): Uncertain significance (1 of 4 stars; one submission).

Allele frequency attached by ClinVar (database versions not stated): gnomAD exomes below 0.00001; TOPMed below 0.00001.
gnomAD v4.1: 1 of 1,614,120 alleles (0.000062%); highest among the groups gnomAD compares: Non-Finnish European, 0.000085%; no homozygotes.

Submission:

GeneDx
Classification: Uncertain significance. Last evaluated: 2022-07-07. Review status: criteria provided, single submitter. Criteria: GeneDx Variant Classification Process June 2021. Collection method: clinical testing. Allele origin: germline. Affected: yes.
Comment: Not observed at significant frequency in large population cohorts (gnomAD); In silico analysis supports that this missense variant has a deleterious effect on protein structure/function; Has not been previously published as pathogenic or benign to our knowledge